The following is an entry in ClinVar:

ClinVar aggregate classification (germline): Uncertain significance (1 of 4 stars; one submission).

Conditions:
Inborn genetic diseases. Identifiers: MedGen C0950123, MeSH D030342.

Submission:

Ambry Genetics
Classification: Uncertain significance for Inborn genetic diseases. Last evaluated: 2022-10-31. Review status: criteria provided, single submitter. Criteria: Ambry Variant Classification Scheme 2023. Collection method: clinical testing. Allele origin: germline.
Comment: The p.S1043N variant (also known as c.3128G>A), located in coding exon 23 of the BUB1B gene, results from a G to A substitution at nucleotide position 3128. The serine at codon 1043 is replaced by asparagine, an amino acid with highly similar properties. This amino acid position is conserved. In addition, this alteration is predicted to be tolerated by in silico analysis. Since supporting evidence is limited at this time, the clinical significance of this alteration remains unclear.

NM_001211.6(BUB1B):c.3128G>A (p.Ser1043Asn)

Genes: BUB1B (BUB1 mitotic checkpoint serine/threonine kinase B; plus strand), BUB1B-PAK6 (BUB1B-PAK6 readthrough; plus strand). Cytogenetic location: 15q15.1.
Variant type: single nucleotide variant.
Coding change: c.3128G>A on transcript NM_001211.6 (MANE Select); coding-DNA position 3128, G replaced by A.
Protein change: p.Ser1043Asn; replaces serine 1043 with asparagine.
Molecular consequence: missense variant. On other transcripts: intron variant (2).
Genome position (GRCh38, 1-based): chr15:40,220,734, G>A. VCF-style: chr15-40220734-G-A. GRCh37 (hg19) VCF-style: chr15-40512935-G-A.
Other names: c.-201+3067G>A (NM_001128628.3); c.-118+3067G>A (NM_001128629.3); short protein forms S1043N.
Identifiers: ClinVar variation 1727914 (VCV001727914.3), dbSNP rs2542594434, ClinGen allele CA391690540.
Genomic context (GRCh38, chr15:40,220,734, plus strand): 5'-TTGACACTACATTCCAAAGTCACCTGAACAAAGCCTTATGGAAGGTAGGGAAGTTAACTA[G>A]TCCTGGGGCTTTGCTCTTTCAGTGAGCTAGGCAATCAAGTCTCACAGATTGCTGCCTCAG-3'
Protein context (NP_001202.5, residues 1033-1050): KALWKVGKLT[Ser1043Asn]PGALLFQ